The following is an entry in ClinVar:

NM_001085487.3(MYSM1):c.631G>A (p.Ala211Thr)

Gene: MYSM1 (Myb like, SWIRM and MPN domains 1; minus strand). Cytogenetic location: 1p32.1.
Variant type: single nucleotide variant.
Coding change: c.631G>A on transcript NM_001085487.3 (MANE Select); coding-DNA position 631, G replaced by A.
Protein change: p.Ala211Thr; replaces alanine 211 with threonine.
Molecular consequence: missense variant.
Genome position (GRCh38, 1-based): chr1:58,682,413, C>T on the plus strand (G>A on the coding strand, the complement: MYSM1 is on the minus strand). VCF-style: chr1-58682413-C-T. GRCh37 (hg19) VCF-style: chr1-59148085-C-T.
Other names: short protein forms A211T.
Identifiers: ClinVar variation 3664382 (VCV003664382.2).

ClinVar aggregate classification (germline): Uncertain significance (1 of 4 stars; one submission).

Submission:

Labcorp Genetics (formerly Invitae), Labcorp
Classification: Uncertain significance. Last evaluated: 2024-09-06. Review status: criteria provided, single submitter. Criteria: Invitae Variant Classification Sherloc (09022015). Collection method: clinical testing. Allele origin: germline.
Comment: This sequence change replaces alanine, which is neutral and non-polar, with threonine, which is neutral and polar, at codon 211 of the MYSM1 protein (p.Ala211Thr). This variant is not present in population databases (gnomAD no frequency). This variant has not been reported in the literature in individuals affected with MYSM1-related conditions. Invitae Evidence Modeling of protein sequence and biophysical properties (such as structural, functional, and spatial information, amino acid conservation, physicochemical variation, residue mobility, and thermodynamic stability) indicates that this missense variant is not expected to disrupt MYSM1 protein function with a negative predictive value of 80%. In summary, the available evidence is currently insufficient to determine the role of this variant in disease. Therefore, it has been classified as a Variant of Uncertain Significance.